The following is an entry in ClinVar:

ClinVar aggregate classification (germline): Uncertain significance (1 of 4 stars; one submission).

gnomAD v4.1: 1 of 1,613,486 alleles (0.000062%); no homozygotes.

Submission:

GeneDx
Classification: Uncertain significance. Last evaluated: 2026-03-30. Review status: criteria provided, single submitter. Criteria: GeneDx Variant Classification Process June 2021. Collection method: clinical testing. Allele origin: germline.
Comment: Not observed at significant frequency in large population cohorts (gnomAD); In silico analysis supports that this missense variant has a deleterious effect on protein structure/function; Has not been previously published as pathogenic or benign to our knowledge

NM_004519.4(KCNQ3):c.1618C>G (p.Pro540Ala)

Gene: KCNQ3 (potassium voltage-gated channel subfamily Q member 3; minus strand). Cytogenetic location: 8q24.22.
Variant type: single nucleotide variant.
Coding change: c.1618C>G on transcript NM_004519.4 (MANE Select); coding-DNA position 1618, C replaced by G.
Protein change: p.Pro540Ala; replaces proline 540 with alanine.
Molecular consequence: missense variant.
Genome position (GRCh38, 1-based): chr8:132,137,967, G>C on the plus strand (C>G on the coding strand, the complement: KCNQ3 is on the minus strand). VCF-style: chr8-132137967-G-C. GRCh37 (hg19) VCF-style: chr8-133150214-G-C.
Other names: c.1258C>G, p.Pro420Ala (NM_001204824.2); short protein forms P420A, P540A.
Identifiers: ClinVar variation 5016792 (VCV005016792.1).
Genomic context (GRCh38, chr8:132,137,967, plus strand): 5'-TGGAAAGCATGTCGAGATGCCCGGCAGAATACTGCTCAATCACATCCTTCACATCGTAAG[G>C]CCTCAAAGTCTCCTTGAATTTTTTTTTATAGAGACGGAATTGTAGAATTCTGCAAGGCAA-3'
Protein context (NP_004510.1, residues 530-550): YKKKFKETLR[Pro540Ala]YDVKDVIEQY